The following is an entry in ClinVar:

NM_004431.5(EPHA2):c.2579G>A (p.Arg860His)

Gene: EPHA2 (EPH receptor A2; minus strand). Cytogenetic location: 1p36.13.
Variant type: single nucleotide variant.
Coding change: c.2579G>A on transcript NM_004431.5 (MANE Select); coding-DNA position 2579, G replaced by A.
Protein change: p.Arg860His; replaces arginine 860 with histidine.
Molecular consequence: missense variant.
Genome position (GRCh38, 1-based): chr1:16,130,316, C>T on the plus strand (G>A on the coding strand, the complement: EPHA2 is on the minus strand). VCF-style: chr1-16130316-C-T. GRCh37 (hg19) VCF-style: chr1-16456811-C-T.
Other names: c.2417G>A, p.Arg806His (NM_001329090.2); short protein forms R806H, R860H.
Identifiers: ClinVar variation 1143210 (VCV001143210.21), dbSNP rs139225059, ClinGen allele CA624780.
Genomic context (GRCh38, chr1:16,130,316, plus strand): 5'-GAGTCAGGGGCACGAATGAGCTTGTCCAGGATGCTGACGATGTCAGCGAACTTGGGGCGG[C>T]GGGCACGCTCCTGCTGCCAGCACTGCATCATGAGCTGGTAGATGGCGGAGGGGCAGTCCA-3'
Protein context (NP_004422.2, residues 850-870): MMQCWQQERA[Arg860His]RPKFADIVSI

ClinVar aggregate classification (germline): Likely benign. Review status: criteria provided, multiple submitters, no conflicts (2 of 4 stars). 2 submissions from 2 submitters: Likely benign (2). Last evaluated 2025-06-12.

Conditions:
Cataract 6 multiple types. Also called: CATARACT, AGE-RELATED CORTICAL, 2; CATARACT 6, POSTERIOR POLAR; CATARACT 6, CONGENITAL TOTAL. Identifiers: Orphanet 91492, MedGen C1861825, MONDO:0007288, OMIM 116600.

Allele frequency attached by ClinVar (database versions not stated): gnomAD exomes 0.00007 and 0.00015; ExAC 0.00016; gnomAD 0.00044 and 0.00049; TOPMed 0.00048; 1000 Genomes Project 0.00060; 1000 Genomes Project 30x 0.00062; ESP Exome Variant Server 0.00062.
gnomAD v4.1: 187 of 1,607,770 alleles (0.012%); highest among the groups gnomAD compares: African/African-American, 0.15%; no homozygotes.

Submissions (2):

Labcorp Genetics (formerly Invitae), Labcorp
Classification: Likely benign for Cataract 6 multiple types. Last evaluated: 2025-06-12. Review status: criteria provided, single submitter. Criteria: Invitae Variant Classification Sherloc (09022015). Collection method: clinical testing. Allele origin: germline.

CeGaT Center for Human Genetics Tuebingen
Classification: Likely benign. Last evaluated: 2024-10-01. Review status: criteria provided, single submitter. Criteria: CeGaT Center For Human Genetics Tuebingen Variant Classification Criteria Version 2. Collection method: clinical testing. Allele origin: germline. Affected: yes. Observed: 1 variant allele.
Comment: EPHA2: BP4, BS1